The following is an entry in ClinVar:

NM_004609.4(TCF15):c.222G>C (p.Arg74=)

Gene: TCF15 (transcription factor 15; minus strand). Cytogenetic location: 20p13.
Variant type: single nucleotide variant.
Coding change: c.222G>C on transcript NM_004609.4 (MANE Select); coding-DNA position 222, G replaced by C.
Protein change: p.Arg74=; no amino-acid change (arginine 74 retained).
Molecular consequence: synonymous variant.
Genome position (GRCh38, 1-based): chr20:610,016, C>G on the plus strand (G>C on the coding strand, the complement: TCF15 is on the minus strand). VCF-style: chr20-610016-C-G. GRCh37 (hg19) VCF-style: chr20-590660-C-G.
Identifiers: ClinVar variation 4873230 (VCV004873230.2).

ClinVar aggregate classification (germline): Likely benign (1 of 4 stars; one submission).

Submission:

CeGaT Center for Human Genetics Tuebingen
Classification: Likely benign. Last evaluated: 2026-05-01. Review status: criteria provided, single submitter. Criteria: CeGaT Center For Human Genetics Tuebingen Variant Classification Criteria Version 2. Collection method: clinical testing. Allele origin: germline. Affected: yes. Observed: 1 variant allele.
Comment: TCF15: BP4, BP7